The following is an entry in ClinVar:

ClinVar aggregate classification (germline): Uncertain significance (1 of 4 stars; one submission).

Conditions:
Progressive sclerosing poliodystrophy (MTDPS4A). Also called: ALPERS PROGRESSIVE INFANTILE POLIODYSTROPHY; NEURONAL DEGENERATION OF CHILDHOOD WITH LIVER DISEASE, PROGRESSIVE; Alpers Syndrome; ALPERS DIFFUSE DEGENERATION OF CEREBRAL GRAY MATTER WITH HEPATIC CIRRHOSIS; Alpers-Huttenlocher Syndrome; Mitochondrial DNA depletion syndrome 4A (Alpers type). Identifiers: Orphanet 726, MedGen C0205710, MONDO:0008758, OMIM 203700.

Submission:

Labcorp Genetics (formerly Invitae), Labcorp
Classification: Uncertain significance for Progressive sclerosing poliodystrophy. Last evaluated: 2023-09-30. Review status: criteria provided, single submitter. Criteria: Invitae Variant Classification Sherloc (09022015). Collection method: clinical testing. Allele origin: germline.
Comment: This variant, c.89_100del, results in the deletion of 4 amino acid(s) of the POLG protein (p.Val30_Ser33del), but otherwise preserves the integrity of the reading frame. This variant is not present in population databases (gnomAD no frequency). This variant has not been reported in the literature in individuals affected with POLG-related conditions. Experimental studies and prediction algorithms are not available or were not evaluated, and the functional significance of this variant is currently unknown. In summary, the available evidence is currently insufficient to determine the role of this variant in disease. Therefore, it has been classified as a Variant of Uncertain Significance.

NM_002693.3(POLG):c.89_100del (p.Val30_Ser33del)

Genes: POLG (DNA polymerase gamma, catalytic subunit; minus strand), POLGARF (POLG alternative reading frame; minus strand). Cytogenetic location: 15q26.1.
Variant type: Deletion.
Coding change: c.89_100del on transcript NM_002693.3 (MANE Select); coding-DNA positions 89 to 100, 12 bases deleted (TCCCCGCGTCCG).
Protein change: p.Val30_Ser33del.
Molecular consequence: inframe deletion.
Genome position (GRCh38, 1-based): chr15:89,333,655-89,333,666, CGGACGCGGGGA deleted on the plus strand (TCCCCGCGTCCG on the coding strand, the reverse complement: POLG is on the minus strand); deleting any 12 consecutive bases within chr15:89,333,655-89,333,670 gives the same sequence; the c. name uses the placement nearest the transcript's 3' end. VCF-style (leftmost placement, unchanged base first): chr15-89333654-TCGGACGCGGGGA-T. GRCh37 (hg19) VCF-style: chr15-89876885-TCGGACGCGGGGA-T.
Other names: c.89_100del, p.Val30_Ser33del (NM_001126131.2).
Identifiers: ClinVar variation 2764754 (VCV002764754.3), dbSNP rs2509277890, ClinGen allele CA2697549290.
Genomic context (GRCh38, chr15:89,333,654, plus strand): 5'-TGTTGCTGCTGCTGCTGCTGCTGCTGCTGCTGCTGCCGCCGCCGCTGCCCGTCGCTGGGG[TCGGACGCGGGGA>T]CGGAGCTGGAGACCCAGCGCCCCGGAGCTGGAACCGGCCCTGGCCCGACGGTGGCGCCGG-3'